The following is an entry in ClinVar:

NM_170665.4(ATP2A2):c.1010del (p.Pro337fs)

Gene: ATP2A2 (ATPase sarcoplasmic/endoplasmic reticulum Ca2+ transporting 2; plus strand). Cytogenetic location: 12q24.11.
Variant type: Deletion.
Coding change: c.1010del on transcript NM_170665.4 (MANE Select); coding-DNA position 1010, one base deleted (C; older notation c.1010delC).
Protein change: p.Pro337fs; shifts the reading frame from proline 337.
Molecular consequence: frameshift variant.
Genome position (GRCh38, 1-based): chr12:110,327,932, C deleted; the last of 3 consecutive C bases (chr12:110,327,930-110,327,932); deleting any one gives the same sequence. VCF-style (leftmost placement, unchanged base first): chr12-110327929-TC-T. GRCh37 (hg19) VCF-style: chr12-110765734-TC-T.
Other names: c.905del, p.Pro302fs (NM_001413013.1); c.1010del, p.Pro337fs (NM_001413014.1, NM_001681.4); c.635del, p.Pro212fs (NM_001413015.1); short protein forms P212fs, P302fs, P337fs.
Identifiers: ClinVar variation 2627605 (VCV002627605.2), dbSNP rs2548553879, ClinGen allele CA2582341799.

ClinVar aggregate classification (germline): Likely pathogenic (1 of 4 stars; one submission).

Conditions:
Keratosis follicularis (DAR). Also called: Darier disease; Darier's disease. Identifiers: Orphanet 218, MedGen C0022595, MONDO:0007417, OMIM 124200.

Submission:

Institute of Human Genetics, University of Leipzig Medical Center
Classification: Likely pathogenic for Keratosis follicularis. Last evaluated: 2023-09-28. Review status: criteria provided, single submitter. Criteria: ACMG Guidelines, 2015. Collection method: clinical testing. Allele origin: unknown. Inheritance: Autosomal dominant inheritance. Affected: yes.
Comment: Criteria applied: PVS1,PM2_SUP